The following is an entry in ClinVar:

NM_000393.5(COL5A2):c.3205G>A (p.Asp1069Asn)

Gene: COL5A2 (collagen type V alpha 2 chain; minus strand). Cytogenetic location: 2q32.2.
Variant type: single nucleotide variant.
Coding change: c.3205G>A on transcript NM_000393.5 (MANE Select); coding-DNA position 3205, G replaced by A.
Protein change: p.Asp1069Asn; replaces aspartic acid 1069 with asparagine.
Molecular consequence: missense variant.
Genome position (GRCh38, 1-based): chr2:189,045,904, C>T on the plus strand (G>A on the coding strand, the complement: COL5A2 is on the minus strand). VCF-style: chr2-189045904-C-T. GRCh37 (hg19) VCF-style: chr2-189910630-C-T.
Other names: short protein forms D1069N.
Identifiers: ClinVar variation 3268762 (VCV003268762.1).
Genomic context (GRCh38, chr2:189,045,904, plus strand): 5'-CAGGAGTTCCAGGGGCACCCTGAGAGCCTGGCAGACCTGCAGGCCCAGGGTCTCCACGAT[C>T]ACCCTAACAAGAATAACCATGATATTATTTTTTAACATTTATTCTAAAACAACAATATTC-3'
Protein context (NP_000384.2, residues 1059-1079): GRDGAVGERG[Asp1069Asn]RGDPGPAGLP

ClinVar aggregate classification (germline): Uncertain significance (1 of 4 stars; one submission).

Conditions:
Familial thoracic aortic aneurysm and aortic dissection (TAAD). Also called: Thoracic aortic aneurysms and dissections. Identifiers: Orphanet 91387, MedGen C4707243, MONDO:0019625.

Submission:

Ambry Genetics
Classification: Uncertain significance for Familial thoracic aortic aneurysm and aortic dissection. Last evaluated: 2024-03-21. Review status: criteria provided, single submitter. Criteria: Ambry Variant Classification Scheme 2023. Collection method: clinical testing. Allele origin: germline.
Comment: The p.D1069N variant (also known as c.3205G>A), located in coding exon 46 of the COL5A2 gene, results from a G to A substitution at nucleotide position 3205. The aspartic acid at codon 1069 is replaced by asparagine, an amino acid with highly similar properties. This amino acid position is well conserved in available vertebrate species. In addition, the in silico prediction for this alteration is inconclusive. Based on the available evidence, the clinical significance of this alteration remains unclear.